The following is an entry in ClinVar:

NM_005219.5(DIAPH1):c.3574+5G>C

Gene: DIAPH1 (diaphanous related formin 1; minus strand). Cytogenetic location: 5q31.3.
Variant type: single nucleotide variant.
Coding change: c.3574+5G>C on transcript NM_005219.5 (MANE Select); 5 bases into the intron after coding-DNA position 3574, G replaced by C.
Molecular consequence: intron variant.
Genome position (GRCh38, 1-based): chr5:141,526,033, C>G on the plus strand (G>C on the coding strand, the complement: DIAPH1 is on the minus strand). VCF-style: chr5-141526033-C-G. GRCh37 (hg19) VCF-style: chr5-140905600-C-G.
Other names: c.3547+5G>C (NM_001079812.3); c.3574+5G>C (NM_001314007.2).
Identifiers: ClinVar variation 2952242 (VCV002952242.3), dbSNP rs2099887282, ClinGen allele CA1587238517.
Genomic context (GRCh38, chr5:141,526,033, plus strand): 5'-ACTCTAGGCAGAGAAGTCTTCCCAACATTCCTATCTCAGCCCATCAACCCGTCTTCACTC[C>G]TCACCTGCATTCATGTCTATGAGTTGCTCTCTCTTCTGCTGCTTCTCTAGCCGCTCCTTC-3'

ClinVar aggregate classification (germline): Uncertain significance (1 of 4 stars; one submission).

Conditions:
Autosomal dominant nonsyndromic hearing loss 1. Also called: KONIGSMARK SYNDROME; DEAFNESS, AUTOSOMAL DOMINANT 1, WITH OR WITHOUT THROMBOCYTOPENIA. Identifiers: Orphanet 90635, MedGen C1852282, MONDO:0007424, OMIM 124900.
Progressive microcephaly-seizures-cortical blindness-developmental delay syndrome. Also called: Seizures, cortical blindness, and microcephaly syndrome. Identifiers: Orphanet 477814, MedGen C5567650, MONDO:0014714, OMIM 616632.

Allele frequency attached by ClinVar (database versions not stated): TOPMed below 0.00001.

Submission:

Labcorp Genetics (formerly Invitae), Labcorp
Classification: Uncertain significance for Progressive microcephaly-seizures-cortical blindness-developmental delay syndrome; Autosomal dominant nonsyndromic hearing loss 1. Last evaluated: 2023-09-24. Review status: criteria provided, single submitter. Criteria: Invitae Variant Classification Sherloc (09022015). Collection method: clinical testing. Allele origin: germline.
Comment: This sequence change falls in intron 26 of the DIAPH1 gene. It does not directly change the encoded amino acid sequence of the DIAPH1 protein. It affects a nucleotide within the consensus splice site. In summary, the available evidence is currently insufficient to determine the role of this variant in disease. Therefore, it has been classified as a Variant of Uncertain Significance. Variants that disrupt the consensus splice site are a relatively common cause of aberrant splicing (PMID: 17576681, 9536098). Algorithms developed to predict the effect of sequence changes on RNA splicing suggest that this variant is not likely to affect RNA splicing. This variant has not been reported in the literature in individuals affected with DIAPH1-related conditions. This variant is not present in population databases (gnomAD no frequency).

Literature cited by the submitters: PubMed 17576681; PubMed 9536098.